The following is an entry in ClinVar:

ClinVar aggregate classification (germline): Conflicting classifications of pathogenicity. Review status: criteria provided, conflicting classifications (1 of 4 stars). 8 submissions from 8 submitters: Uncertain significance (1); Benign (3); Likely benign (1). 3 of the submissions do not count toward it. Last evaluated 2026-01-28.

Conditions:
Hereditary insensitivity to pain with anhidrosis (CIPA). Also called: FAMILIAL DYSAUTONOMIA, TYPE II; NTRK1 Congenital Insensitivity to Pain with Anhidrosis; NEUROPATHY, CONGENITAL SENSORY, WITH ANHIDROSIS; hereditary sensory and autonomic neuropathy type 4; INSENSITIVITY TO PAIN, CONGENITAL, WITH ANHIDROSIS; HSAN Type IV. Identifiers: Orphanet 642, MedGen C0020074, MONDO:0009746, OMIM 256800.

Allele frequency attached by ClinVar (database versions not stated): ESP Exome Variant Server 0.00074; gnomAD 0.00108; gnomAD exomes 0.00114 and 0.00158; 1000 Genomes Project 0.00120; TOPMed 0.00155; ExAC 0.00156; 1000 Genomes Project 30x 0.00172.
gnomAD v4.1: 2,370 of 1,552,690 alleles (0.15%); highest among the groups gnomAD compares: Admixed American, 0.23%; 3 homozygotes.

Submissions (8):

Labcorp Genetics (formerly Invitae), Labcorp
Classification: Benign for Hereditary insensitivity to pain with anhidrosis. Last evaluated: 2026-01-28. Review status: criteria provided, single submitter. Criteria: Invitae Variant Classification Sherloc (09022015). Collection method: clinical testing. Allele origin: germline.

Blueprint Genetics
Classification: Likely benign. Last evaluated: 2024-11-25. Review status: criteria provided, single submitter. Criteria: ACMG Guidelines, 2015. Collection method: clinical testing. Allele origin: germline.

Mayo Clinic Laboratories, Mayo Clinic
Classification: Benign. Last evaluated: 2024-08-01. Review status: criteria provided, single submitter. Criteria: ACMG Guidelines, 2015. Collection method: clinical testing. Allele origin: germline. Observed: 7 variant alleles.
Comment: BS1, BS2, BP4, BP7

Illumina Laboratory Services, Illumina
Classification: Uncertain significance for Hereditary insensitivity to pain with anhidrosis. Last evaluated: 2018-01-13. Review status: criteria provided, single submitter. Criteria: ICSL Variant Classification Criteria 13 December 2019. Collection method: clinical testing. Allele origin: germline.

GeneDx
Classification: Benign. Last evaluated: 2015-04-22. Review status: criteria provided, single submitter. Criteria: GeneDx Variant Classification (06012015). Collection method: clinical testing. Allele origin: germline. Affected: yes.
Comment: This variant is considered likely benign or benign based on one or more of the following criteria: it is a conservative change, it occurs at a poorly conserved position in the protein, it is predicted to be benign by multiple in silico algorithms, and/or has population frequency not consistent with disease.

Natera, Inc.
Classification: Uncertain significance for Hereditary insensitivity to pain with anhidrosis. Last evaluated: 2020-04-17. Review status: no assertion criteria provided. Collection method: clinical testing. Allele origin: germline. Not counted in ClinVar's aggregate classification.

Clinical Genetics DNA and cytogenetics Diagnostics Lab, Erasmus MC, Erasmus Medical Center
Classification: Likely benign. Review status: no assertion criteria provided. Collection method: clinical testing. Allele origin: germline. Affected: yes. Study: VKGL Data-share Consensus. Not counted in ClinVar's aggregate classification.

Clinical Genetics, Academic Medical Center
Classification: Likely benign. Review status: no assertion criteria provided. Collection method: clinical testing. Allele origin: germline. Affected: yes. Study: VKGL Data-share Consensus. Not counted in ClinVar's aggregate classification.

NM_002529.4(NTRK1):c.212+10C>T

Gene: NTRK1 (neurotrophic receptor tyrosine kinase 1; plus strand). Cytogenetic location: 1q23.1.
Variant type: single nucleotide variant.
Coding change: c.212+10C>T on transcript NM_002529.4 (MANE Select); 10 bases into the intron after coding-DNA position 212, C replaced by T.
Molecular consequence: intron variant.
Genome position (GRCh38, 1-based): chr1:156,861,156, C>T. VCF-style: chr1-156861156-C-T. GRCh37 (hg19) VCF-style: chr1-156830948-C-T.
Other names: p.?; c.123-3198C>T (NM_001007792.1); c.212+10C>T (NM_001012331.2).
Identifiers: ClinVar variation 292872 (VCV000292872.22), dbSNP rs183517027, ClinGen allele CA1168839.